The following is an entry in ClinVar:

ClinVar aggregate classification (germline): Pathogenic (1 of 4 stars; one submission).

Submission:

Labcorp Genetics (formerly Invitae), Labcorp
Classification: Pathogenic. Last evaluated: 2023-12-13. Review status: criteria provided, single submitter. Criteria: Invitae Variant Classification Sherloc (09022015). Collection method: clinical testing. Allele origin: unknown.
Comment: This variant is a gross deletion of the genomic region encompassing exon(s) 2-3 of the SLC25A3 gene, which includes the initiator codon. This deletion extends beyond the assayed region for this gene and therefore may encompass additional genes. It is expected to result in an absent or disrupted protein product. Loss-of-function variants in SLC25A3 are known to be pathogenic (PMID: 17273968, 21763135). This variant has not been reported in the literature in individuals affected with SLC25A3-related conditions. For these reasons, this variant has been classified as Pathogenic.

Literature cited by the submitters: PubMed 17273968; PubMed 21763135.

NC_000012.11:g.(?_98987757)_(98989355_?)del

Gene: SLC25A3 (solute carrier family 25 member 3; plus strand). Cytogenetic location: 12q23.1.
Variant type: Deletion.
Identifiers: ClinVar variation 3244391 (VCV003244391.1).